The following is an entry in ClinVar:

ClinVar aggregate classification (germline): Pathogenic (1 of 4 stars; one submission).

Conditions:
Wilson disease (WND). Also called: Wilson's disease. Identifiers: Orphanet 905, MedGen C0019202, MONDO:0010200, OMIM 277900. Disease mechanism: loss of function.

Submission:

Institute of Genomics, University of Tartu
Classification: Pathogenic for Wilson disease. Last evaluated: 2023-04-04. Review status: criteria provided, single submitter. Criteria: ACMG Guidelines, 2015. Collection method: research. Allele origin: germline. Affected: yes. Observed: 1 variant allele, 1 compound heterozygote.
Comment: This ATP7B c.3754delG; p.Val1252Serfs*78 variant was identified in the 2020-2023 Wilson's disease genotype-first recall study at the Estonian Biobank. To our knowledge, this variant has not been described before. We classified this variant as pathogenic according to Richards et al. 2015 ACMG guidelines. Evidence: PVS1 (frameshift), PM2 (not reported in population databases), PM3 (found in trans with another pathogenic variant (p.H1069Q) in our recall study), PP3 (PhyloP 5.8, MutationTester D), PP4 (see clinical features)

NM_000053.4(ATP7B):c.3754del (p.Val1252fs)

Gene: ATP7B (ATPase copper transporting beta; minus strand). Cytogenetic location: 13q14.3.
Variant type: Deletion.
Coding change: c.3754del on transcript NM_000053.4 (MANE Select); coding-DNA position 3754, one base deleted (G; older notation c.3754delG).
Protein change: p.Val1252fs; shifts the reading frame from valine 1252.
Molecular consequence: frameshift variant. On other transcripts: intron variant (1).
Genome position (GRCh38, 1-based): chr13:51,937,625, C deleted on the plus strand (G on the coding strand, the reverse complement: ATP7B is on the minus strand); the first of 2 consecutive C bases (chr13:51,937,625-51,937,626); deleting either gives the same sequence. VCF-style (leftmost placement, unchanged base first): chr13-51937624-AC-A. GRCh37 (hg19) VCF-style: chr13-52511760-AC-A.
Other names: c.3610del, p.Val1204fs (NM_001406520.1, NM_001406521.1, NM_001406522.1); c.3571del, p.Val1191fs (NM_001406523.1); c.3577del, p.Val1193fs (NM_001406524.1); c.3559del, p.Val1187fs (NM_001406525.1); c.3520del, p.Val1174fs (NM_001406527.1, NM_001406528.1, NM_001330578.2); c.3514del, p.Val1172fs (NM_001406530.1); c.3502del, p.Val1168fs (NM_001406531.1, NM_001406532.1, NM_001330579.2); c.3466del, p.Val1156fs (NM_001406534.1); and 21 more; short protein forms V1025fs, V1036fs, V1045fs, V1058fs, V1088fs, V1090fs, V1103fs, V1109fs.
Identifiers: ClinVar variation 2690997 (VCV002690997.2), dbSNP rs2547569101.
Genomic context (GRCh38, chr13:51,937,624, plus strand): 5'-GAGTCATTGACCCCATCCCCCACCATGGCGACTTTCTTCCCTTTATTCTGGAGCTCCTGG[AC>A]CTTGGCCACCTTGTGCGAAGGCAGCACCTCTGCAAAGACTTTGTTGATGCCAACCTAAGA-3'